The following is an entry in ClinVar:

NM_000493.4(COL10A1):c.1838del (p.Gly613fs)

Genes: COL10A1 (collagen type X alpha 1 chain; minus strand), NT5DC1 (5'-nucleotidase domain containing 1; plus strand). Cytogenetic location: 6q22.1.
Variant type: Deletion.
Coding change: c.1838del on transcript NM_000493.4 (MANE Select); coding-DNA position 1838, one base deleted (G; older notation c.1838delG).
Protein change: p.Gly613fs; shifts the reading frame from glycine 613.
Molecular consequence: frameshift variant. On other transcripts: intron variant (1).
Genome position (GRCh38, 1-based): chr6:116,120,278, C deleted on the plus strand (G on the coding strand, the reverse complement: COL10A1 is on the minus strand); the first of 2 consecutive C bases (chr6:116,120,278-116,120,279); deleting either gives the same sequence. VCF-style (leftmost placement, unchanged base first): chr6-116120277-GC-G. GRCh37 (hg19) VCF-style: chr6-116441440-GC-G.
Other names: c.1838del, p.Gly613fs (NM_001424106.1, NM_001424107.1); c.529+2334del (NM_152729.3); short protein forms G613fs.
Identifiers: ClinVar variation 4991870 (VCV004991870.1).

ClinVar aggregate classification (germline): Likely pathogenic (1 of 4 stars; one submission).

Conditions:
COL10A1-related disorder. Also called: COL10A1-related condition.

Submission:

PreventionGenetics, part of Exact Sciences
Classification: Likely pathogenic for COL10A1-related condition. Last evaluated: 2026-05-04. Review status: criteria provided, single submitter. Criteria: ACMG Guidelines, 2015. Collection method: clinical testing. Allele origin: germline.
Comment: The COL10A1 c.1838delG variant is predicted to result in a frameshift and premature protein termination (p.Gly613Alafs*9). To our knowledge, this variant has not been reported in the literature or in a large population database (gnomAD), indicating this variant is rare. Frameshift variants in COL10A1 are expected to be pathogenic. This variant is interpreted as likely pathogenic.